The following is an entry in ClinVar:

NM_001252024.2(TRPM1):c.3671G>A (p.Arg1224Lys)

Gene: TRPM1 (transient receptor potential cation channel subfamily M member 1; minus strand). Cytogenetic location: 15q13.3.
Variant type: single nucleotide variant.
Coding change: c.3671G>A on transcript NM_001252024.2 (MANE Select); coding-DNA position 3671, G replaced by A.
Protein change: p.Arg1224Lys; replaces arginine 1224 with lysine.
Molecular consequence: missense variant.
Genome position (GRCh38, 1-based): chr15:31,003,029, C>T on the plus strand (G>A on the coding strand, the complement: TRPM1 is on the minus strand). VCF-style: chr15-31003029-C-T. GRCh37 (hg19) VCF-style: chr15-31295232-C-T.
Other names: c.3722G>A, p.Arg1241Lys (NM_001252020.2); c.3605G>A, p.Arg1202Lys (NM_002420.6); short protein forms R1241K, R1224K, R1202K.
Identifiers: ClinVar variation 1932039 (VCV001932039.5), dbSNP rs1326348385, ClinGen allele CA391532157.

ClinVar aggregate classification (germline): Uncertain significance (1 of 4 stars; one submission).

Allele frequency attached by ClinVar (database versions not stated): TOPMed below 0.00001; gnomAD 0.00001; gnomAD exomes 0.00001.
gnomAD v4.1: 16 of 1,598,858 alleles (0.001%); highest among the groups gnomAD compares: Non-Finnish European, 0.0014%; no homozygotes.

Submission:

Labcorp Genetics (formerly Invitae), Labcorp
Classification: Uncertain significance. Last evaluated: 2022-08-16. Review status: criteria provided, single submitter. Criteria: Invitae Variant Classification Sherloc (09022015). Collection method: clinical testing. Allele origin: germline.
Comment: In summary, the available evidence is currently insufficient to determine the role of this variant in disease. Therefore, it has been classified as a Variant of Uncertain Significance. Algorithms developed to predict the effect of missense changes on protein structure and function (SIFT, PolyPhen-2, Align-GVGD) all suggest that this variant is likely to be tolerated. This variant has not been reported in the literature in individuals affected with TRPM1-related conditions. This variant is not present in population databases (gnomAD no frequency). This sequence change replaces arginine, which is basic and polar, with lysine, which is basic and polar, at codon 1202 of the TRPM1 protein (p.Arg1202Lys).